The following is an entry in ClinVar:

NM_004523.4(KIF11):c.151A>G (p.Ser51Gly)

Gene: KIF11 (kinesin family member 11; plus strand). Cytogenetic location: 10q23.33.
Variant type: single nucleotide variant.
Coding change: c.151A>G on transcript NM_004523.4 (MANE Select); coding-DNA position 151, A replaced by G.
Protein change: p.Ser51Gly; replaces serine 51 with glycine.
Molecular consequence: missense variant.
Genome position (GRCh38, 1-based): chr10:92,606,338, A>G. VCF-style: chr10-92606338-A-G. GRCh37 (hg19) VCF-style: chr10-94366095-A-G.
Other names: short protein forms S51G.
Identifiers: ClinVar variation 1029853 (VCV001029853.1), dbSNP rs1844430675, ClinGen allele CA377587829.

ClinVar aggregate classification (germline): Uncertain significance (1 of 4 stars; one submission).

Conditions:
Microcephaly with or without chorioretinopathy, lymphedema, or impaired intellectual development. Also called: Microcephaly with or without chorioretinopathy, lymphedema, or mental retardation; MICROCEPHALY AND CHORIORETINOPATHY WITH OR WITHOUT MENTAL RETARDATION, AUTOSOMAL DOMINANT; MICROCEPHALY, LYMPHEDEMA, CHORIORETINAL DYSPLASIA SYNDROME; Microcephaly with or without chorioretinopathy, lymphedema, or intellectual disability; Microcephaly lymphedema chorioretinal dysplasia. Identifiers: Orphanet 2526, MedGen C1835265, MONDO:0007918, OMIM 152950.

Allele frequency attached by ClinVar (database versions not stated): gnomAD exomes below 0.00001.
gnomAD v4.1: 2 of 1,612,620 alleles (0.00012%); highest among the groups gnomAD compares: Non-Finnish European, 0.00017%; no homozygotes.

Submission:

Baylor Genetics
Classification: Uncertain significance for Microcephaly with or without chorioretinopathy, lymphedema, or impaired intellectual development. Last evaluated: 2019-02-12. Review status: criteria provided, single submitter. Criteria: ACMG Guidelines, 2015. Collection method: clinical testing. Allele origin: de novo. Affected: yes.
Comment: This variant was determined to be of uncertain significance according to ACMG Guidelines, 2015 [PMID:25741868].